The following is an entry in ClinVar:

ClinVar aggregate classification (germline): Conflicting classifications of pathogenicity. Review status: criteria provided, conflicting classifications (1 of 4 stars). 4 submissions from 4 submitters: Pathogenic (1); Uncertain significance (2); Likely benign (1). Last evaluated 2025-07-09.

Conditions:
Hereditary pancreatitis (PCTT). Also called: PRSS1-Related Hereditary Pancreatitis; Hereditary chronic pancreatitis. Identifiers: Orphanet 676, MedGen C0238339, MONDO:0008185, OMIM 167800.

Allele frequency attached by ClinVar (database versions not stated): gnomAD exomes below 0.00001 and 0.00001; gnomAD 0.00001; ExAC 0.00002; 1000 Genomes Project 30x 0.00016; 1000 Genomes Project 0.00020.
gnomAD v4.1: 5 of 1,614,018 alleles (0.00031%); highest among the groups gnomAD compares: East Asian, 0.0089%; no homozygotes.

Submissions (4):

Labcorp Genetics (formerly Invitae), Labcorp
Classification: Uncertain significance for Hereditary pancreatitis. Last evaluated: 2025-07-09. Review status: criteria provided, single submitter. Criteria: Invitae Variant Classification Sherloc (09022015). Collection method: clinical testing. Allele origin: germline.
Comment: This sequence change replaces threonine, which is neutral and polar, with isoleucine, which is neutral and non-polar, at codon 69 of the SPINK1 protein (p.Thr69Ile). This variant is present in population databases (rs576564400, gnomAD 0.02%). This missense change has been observed in individual(s) with idiopathic chronic pancreatitis and alcoholic pancreatitis (PMID: 18182741, 30420730, 33515547). ClinVar contains an entry for this variant (Variation ID: 440299). An algorithm developed to predict the effect of missense changes on protein structure and function outputs the following: PolyPhen-2: "Benign". The isoleucine amino acid residue is found in multiple mammalian species, which suggests that this missense change does not adversely affect protein function. Experimental studies have shown that this missense change affects SPINK1 function (PMID: 22343981). In summary, the available evidence is currently insufficient to determine the role of this variant in disease. Therefore, it has been classified as a Variant of Uncertain Significance.

Ambry Genetics
Classification: Likely benign for Hereditary pancreatitis. Last evaluated: 2024-07-26. Review status: criteria provided, single submitter. Criteria: Ambry Variant Classification Scheme 2023. Collection method: clinical testing. Allele origin: germline.

ARUP Laboratories, Molecular Genetics and Genomics, ARUP Laboratories
Classification: Uncertain significance. Last evaluated: 2017-03-27. Review status: criteria provided, single submitter. Criteria: ARUP Molecular Germline Variant Investigation Process. Collection method: clinical testing. Allele origin: germline.

Center for Human Genetics, Inc
Classification: Pathogenic for Hereditary pancreatitis. Last evaluated: 2016-11-01. Review status: criteria provided, single submitter. Criteria: ACMG Guidelines, 2015. Collection method: clinical testing. Allele origin: germline. Affected: yes.

Literature cited by the submitters: PubMed 18182741 (cited by Labcorp Genetics (formerly Invitae), Labcorp and Ambry Genetics); PubMed 30420730 (cited by Labcorp Genetics (formerly Invitae), Labcorp and Ambry Genetics); PubMed 33515547 (cited by Labcorp Genetics (formerly Invitae), Labcorp); PubMed 22343981 (cited by Labcorp Genetics (formerly Invitae), Labcorp).

NM_001379610.1(SPINK1):c.206C>T (p.Thr69Ile)

Gene: SPINK1 (serine peptidase inhibitor Kazal type 1; minus strand). Cytogenetic location: 5q32.
Variant type: single nucleotide variant.
Coding change: c.206C>T on transcript NM_001379610.1 (MANE Select); coding-DNA position 206, C replaced by T.
Protein change: p.Thr69Ile; replaces threonine 69 with isoleucine.
Molecular consequence: missense variant.
Genome position (GRCh38, 1-based): chr5:147,824,695, G>A on the plus strand (C>T on the coding strand, the complement: SPINK1 is on the minus strand). VCF-style: chr5-147824695-G-A. GRCh37 (hg19) VCF-style: chr5-147204258-G-A.
Other names: c.206C>T, p.Thr69Ile (NM_001354966.2, NM_003122.5); short protein forms T69I.
Identifiers: ClinVar variation 440299 (VCV000440299.19), dbSNP rs576564400, ClinGen allele CA3494751.